The following is an entry in ClinVar:

ClinVar aggregate classification (germline): Uncertain significance (1 of 4 stars; one submission).

Allele frequency attached by ClinVar (database versions not stated): ExAC 0.00001; gnomAD 0.00001; gnomAD exomes 0.00001.
gnomAD v4.1: 11 of 1,613,952 alleles (0.00068%); highest among the groups gnomAD compares: Non-Finnish European, 0.00085%; no homozygotes.

Submission:

Labcorp Genetics (formerly Invitae), Labcorp
Classification: Uncertain significance. Last evaluated: 2022-04-09. Review status: criteria provided, single submitter. Criteria: Invitae Variant Classification Sherloc (09022015). Collection method: clinical testing. Allele origin: germline.
Comment: This sequence change replaces glutamic acid, which is acidic and polar, with aspartic acid, which is acidic and polar, at codon 285 of the SRCAP protein (p.Glu285Asp). This variant is present in population databases (rs751019569, gnomAD 0.002%). In summary, the available evidence is currently insufficient to determine the role of this variant in disease. Therefore, it has been classified as a Variant of Uncertain Significance. Algorithms developed to predict the effect of missense changes on protein structure and function are either unavailable or do not agree on the potential impact of this missense change (SIFT: "Deleterious"; PolyPhen-2: "Not Available"; Align-GVGD: "Class C35"). This variant has not been reported in the literature in individuals affected with SRCAP-related conditions.

NM_006662.3(SRCAP):c.855A>C (p.Glu285Asp)

Gene: SRCAP (Snf2 related CREBBP activator protein; plus strand). Cytogenetic location: 16p11.2.
Variant type: single nucleotide variant.
Coding change: c.855A>C on transcript NM_006662.3 (MANE Select); coding-DNA position 855, A replaced by C.
Protein change: p.Glu285Asp; replaces glutamic acid 285 with aspartic acid.
Molecular consequence: missense variant.
Genome position (GRCh38, 1-based): chr16:30,709,734, A>C. VCF-style: chr16-30709734-A-C. GRCh37 (hg19) VCF-style: chr16-30721055-A-C.
Other names: short protein forms E285D.
Identifiers: ClinVar variation 1963761 (VCV001963761.5), dbSNP rs751019569, ClinGen allele CA8010769.